The following is an entry in ClinVar:

ClinVar aggregate classification (germline): Uncertain significance (1 of 4 stars; one submission).

Submission:

Labcorp Genetics (formerly Invitae), Labcorp
Classification: Uncertain significance. Last evaluated: 2024-05-09. Review status: criteria provided, single submitter. Criteria: Invitae Variant Classification Sherloc (09022015). Collection method: clinical testing. Allele origin: germline.
Comment: This sequence change replaces glycine, which is neutral and non-polar, with aspartic acid, which is acidic and polar, at codon 541 of the COL11A1 protein (p.Gly541Asp). This variant is not present in population databases (gnomAD no frequency). This variant has not been reported in the literature in individuals affected with COL11A1-related conditions. ClinVar contains an entry for this variant (Variation ID: 2131957). Advanced modeling of protein sequence and biophysical properties (such as structural, functional, and spatial information, amino acid conservation, physicochemical variation, residue mobility, and thermodynamic stability) has been performed at Invitae for this missense variant, however the output from this modeling did not meet the statistical confidence thresholds required to predict the impact of this variant on COL11A1 protein function. In summary, the available evidence is currently insufficient to determine the role of this variant in disease. Therefore, it has been classified as a Variant of Uncertain Significance.

NM_001854.4(COL11A1):c.1622G>A (p.Gly541Asp)

Gene: COL11A1 (collagen type XI alpha 1 chain; minus strand). Cytogenetic location: 1p21.1.
Variant type: single nucleotide variant.
Coding change: c.1622G>A on transcript NM_001854.4 (MANE Select); coding-DNA position 1622, G replaced by A.
Protein change: p.Gly541Asp; replaces glycine 541 with aspartic acid.
Molecular consequence: missense variant. On other transcripts: non-coding transcript variant (1).
Genome position (GRCh38, 1-based): chr1:103,012,420, C>T on the plus strand (G>A on the coding strand, the complement: COL11A1 is on the minus strand). VCF-style: chr1-103012420-C-T. GRCh37 (hg19) VCF-style: chr1-103477976-C-T.
Other names: c.1274G>A, p.Gly425Asp (NM_001168249.1, NM_080630.4); c.1505G>A, p.Gly502Asp (NM_001190709.2); c.1658G>A, p.Gly553Asp (NM_080629.3); short protein forms G502D, G541D, G425D, G553D.
Identifiers: ClinVar variation 2131957 (VCV002131957.4), dbSNP rs1666208813, ClinGen allele CA341177152.